The following is an entry in ClinVar:

NM_175914.5(HNF4A):c.50-4751_50-4745del

Gene: HNF4A (hepatocyte nuclear factor 4 alpha; plus strand). Cytogenetic location: 20q13.12.
Variant type: Microsatellite.
Coding change: c.50-4751_50-4745del on transcript NM_175914.5 (MANE Select); 4751 bases into the intron before coding-DNA position 50 through 4745 bases into the intron before coding-DNA position 50, 7 bases deleted (AGGGCGG; older notation c.50-4751_50-4745delAGGGCGG).
Molecular consequence: intron variant. On other transcripts: 5 prime UTR variant (4).
Genome position (GRCh38, 1-based): chr20:44,401,307-44,401,313, AGGGCGG deleted; deleting any 7 consecutive bases within chr20:44,401,298-44,401,313 gives the same sequence; the c. name uses the placement nearest the transcript's 3' end. VCF-style (leftmost placement, unchanged base first): chr20-44401297-GGGAGGGC-G. GRCh37 (hg19) VCF-style: chr20-43029937-GGGAGGGC-G.
Other names: c.-73AGGGCGG[1] (NM_000457.6, NM_178849.3, NM_178850.3); c.-185AGGGCGG[1] (NM_001258355.2); c.41-4751_41-4745del (NM_001287182.2, NM_001287183.2, NM_001287184.2); c.50-4751_50-4745del (NM_001030003.3, NM_001030004.3); c.50-4751_50-4745del7 (NM_175914.4).
Identifiers: ClinVar variation 1302796 (VCV001302796.10), dbSNP rs555295035, ClinGen allele CA315400160.

ClinVar aggregate classification (germline): Benign/Likely benign. Review status: criteria provided, multiple submitters, no conflicts (2 of 4 stars). 5 submissions from 5 submitters: Benign (3); Likely benign (1). 1 of the submissions does not count toward it. Last evaluated 2026-04-01.

Conditions:
HNF4A-related disorder. Also called: HNF4A-related condition.

Submissions (5):

CeGaT Center for Human Genetics Tuebingen
Classification: Benign. Last evaluated: 2026-04-01. Review status: criteria provided, single submitter. Criteria: CeGaT Center For Human Genetics Tuebingen Variant Classification Criteria Version 2. Collection method: clinical testing. Allele origin: germline. Affected: yes. Observed: 1 variant allele.
Comment: HNF4A: BS1, BS2

Labcorp Genetics (formerly Invitae), Labcorp
Classification: Benign. Last evaluated: 2025-12-26. Review status: criteria provided, single submitter. Criteria: Invitae Variant Classification Sherloc (09022015). Collection method: clinical testing. Allele origin: germline.

GeneDx
Classification: Benign. Last evaluated: 2021-07-16. Review status: criteria provided, single submitter. Criteria: GeneDx Variant Classification Process June 2021. Collection method: clinical testing. Allele origin: germline. Affected: yes.
Comment: This variant is associated with the following publications: (PMID: 30663027, 27535533, 10768098)

Laboratory for Molecular Medicine, Mass General Brigham Personalized Medicine
Classification: Likely benign. Last evaluated: 2020-11-06. Review status: criteria provided, single submitter. Criteria: ACMG Guidelines, 2015. Collection method: clinical testing. Allele origin: germline.
Comment: The c.-178_-172delAGGGCGG variant in HNF4A is classified as likely benign because it has been identified in 1.6% (55/3472) of Finnish and in 0.3%(45/15410) of European chromosomes by gnomAD. ACMG/AMP criteria applied: BS1.

PreventionGenetics, part of Exact Sciences
Classification: Benign for HNF4A-related condition. Last evaluated: 2019-11-19. Review status: no assertion criteria provided. Collection method: clinical testing. Allele origin: germline. Not counted in ClinVar's aggregate classification.
Comment: This variant is classified as benign based on ACMG/AMP sequence variant interpretation guidelines (Richards et al. 2015 PMID: 25741868, with internal and published modifications).